The following is an entry in ClinVar:

ClinVar aggregate classification (germline): Uncertain significance. Review status: criteria provided, single submitter (1 of 4 stars). 2 submissions from 2 submitters: Uncertain significance (1). 1 of the submissions does not count toward it. Last evaluated 2022-09-30.

Conditions:
Charcot-Marie-Tooth Neuropathy X. Identifiers: MedGen CN118851.
Charcot-Marie-Tooth disease X-linked dominant 1. Also called: Charcot-Marie-Tooth Neuropathy X Type 1; X-linked Charcot-Marie-Tooth disease type 1; GJB1 Disorders: Charcot-Marie-Tooth Neuropathy (CMT1X) and Central Nervous System Phenotypes; HEREDITARY MOTOR AND SENSORY NEUROPATHY, X-LINKED; HMSN, X-LINKED; CHARCOT-MARIE-TOOTH NEUROPATHY, X-LINKED, 1. Identifiers: Orphanet 101075, MedGen C0393808, MONDO:0010549, OMIM 302800.

Submissions (2):

Labcorp Genetics (formerly Invitae), Labcorp
Classification: Uncertain significance for Charcot-Marie-Tooth Neuropathy X. Last evaluated: 2022-09-30. Review status: criteria provided, single submitter. Criteria: Invitae Variant Classification Sherloc (09022015). Collection method: clinical testing. Allele origin: germline.
Comment: This variant is not present in population databases (gnomAD no frequency). This variant has been observed in individual(s) with Charcot-Marie-Tooth disease, type X (CMTX) (PMID: 17052905). ClinVar contains an entry for this variant (Variation ID: 21087). Experimental studies and prediction algorithms are not available or were not evaluated, and the functional significance of this variant is currently unknown. In summary, the available evidence is currently insufficient to determine the role of this variant in disease. Therefore, it has been classified as a Variant of Uncertain Significance. This variant, c.572_580dup, results in the insertion of 3 amino acid(s) of the GJB1 protein (p.Thr191_Phe193dup), but otherwise preserves the integrity of the reading frame.

GeneReviews
No classification provided. Condition: Charcot-Marie-Tooth disease X-linked dominant 1. Review status: no classification provided. Collection method: literature only. Allele origin: unknown. Not counted in ClinVar's aggregate classification.

Literature cited by the submitters: PubMed 17052905 (cited by Labcorp Genetics (formerly Invitae), Labcorp); PubMed 20301548 (cited by GeneReviews); NCBI Bookshelf NBK1374 (cited by GeneReviews).

NM_001097642.2(GJB1):c.572_580dup(p.Phe193_Met194insThrValPhe)

Gene: GJB1 (gap junction protein beta 1; plus strand). Cytogenetic location: Xq13.1.
Variant type: Microsatellite.
Coding change: c.572_580dup(p.Phe193_Met194insThrValPhe) on transcript NM_001097642.2; coding-DNA positions 572 to 580, 9 bases duplicated (CCGTCTTCA; older notation c.572_580dup(p.Phe193_Met194insThrValPhe)CCGTCTTCA).
Molecular consequence: inframe insertion (on NM_000166.6).
Genome position (GRCh38, 1-based): chrX:71,224,279-71,224,287, CCGTCTTCA duplicated; duplicating any 9 consecutive bases within chrX:71,224,269-71,224,287 gives the same sequence; the c. name uses the placement nearest the transcript's 3' end. VCF-style (leftmost placement, unchanged base first): chrX-71224268-A-AACCGTCTTC. GRCh37 (hg19) VCF-style: chrX-70444118-A-AACCGTCTTC.
Other names: c.563CCGTCTTCA[3], p.188TVF[3] (NM_000166.6, NM_001097642.3); c.572_580dupCCGTCTTCA (NM_000166.5).
Identifiers: ClinVar variation 21087 (VCV000021087.10), dbSNP rs116840823, ClinGen allele CA341612.